The following is an entry in ClinVar:

NM_033124.5(CCDC65):c.474G>C (p.Lys158Asn)

Gene: CCDC65 (coiled-coil domain containing 65; plus strand). Cytogenetic location: 12q13.12.
Variant type: single nucleotide variant.
Coding change: c.474G>C on transcript NM_033124.5 (MANE Select); coding-DNA position 474, G replaced by C.
Protein change: p.Lys158Asn; replaces lysine 158 with asparagine.
Molecular consequence: missense variant.
Genome position (GRCh38, 1-based): chr12:48,916,973, G>C. VCF-style: chr12-48916973-G-C. GRCh37 (hg19) VCF-style: chr12-49310756-G-C.
Other names: c.45G>C, p.Lys15Asn (NM_001286957.2); short protein forms K158N, K15N.
Identifiers: ClinVar variation 1306302 (VCV001306302.4), dbSNP rs761890305, ClinGen allele CA6543260.

ClinVar aggregate classification (germline): Uncertain significance. Review status: criteria provided, multiple submitters, no conflicts (2 of 4 stars). 2 submissions from 2 submitters: Uncertain significance (2). Last evaluated 2022-05-19.

Conditions:
Primary ciliary dyskinesia 27. Also called: CILIARY DYSKINESIA, PRIMARY, 27, WITHOUT SITUS INVERSUS. Identifiers: Orphanet 244, MedGen C3809701, MONDO:0014215, OMIM 615504.

Allele frequency attached by ClinVar (database versions not stated): TOPMed 0.00003; gnomAD 0.00001; gnomAD exomes 0.00001; ExAC 0.00002.
gnomAD v4.1: 51 of 1,613,680 alleles (0.0032%); highest among the groups gnomAD compares: Non-Finnish European, 0.0037%; no homozygotes.

Submissions (2):

Labcorp Genetics (formerly Invitae), Labcorp
Classification: Uncertain significance for Primary ciliary dyskinesia 27. Last evaluated: 2022-05-19. Review status: criteria provided, single submitter. Criteria: Invitae Variant Classification Sherloc (09022015). Collection method: clinical testing. Allele origin: germline.
Comment: This sequence change replaces lysine, which is basic and polar, with asparagine, which is neutral and polar, at codon 158 of the CCDC65 protein (p.Lys158Asn). This variant is present in population databases (rs761890305, gnomAD 0.003%). This variant has not been reported in the literature in individuals affected with CCDC65-related conditions. ClinVar contains an entry for this variant (Variation ID: 1306302). Algorithms developed to predict the effect of missense changes on protein structure and function are either unavailable or do not agree on the potential impact of this missense change (SIFT: "Deleterious"; PolyPhen-2: "Benign"; Align-GVGD: "Class C0"). In summary, the available evidence is currently insufficient to determine the role of this variant in disease. Therefore, it has been classified as a Variant of Uncertain Significance.

GeneDx
Classification: Uncertain significance. Last evaluated: 2019-06-05. Review status: criteria provided, single submitter. Criteria: GeneDx Variant Classification Process June 2021. Collection method: clinical testing. Allele origin: germline. Affected: yes.
Comment: Has not been previously published as pathogenic or benign to our knowledge; Not observed at a significant frequency in large population cohorts (Lek et al., 2016); In silico analysis, which includes protein predictors and evolutionary conservation, supports that this variant does not alter protein structure/function